The following is an entry in ClinVar:

NM_000136.3(FANCC):c.705del (p.Met236fs)

Genes: AOPEP (aminopeptidase O (putative); plus strand), FANCC (FA complementation group C; minus strand). Cytogenetic location: 9q22.32.
Variant type: Deletion.
Coding change: c.705del on transcript NM_000136.3 (MANE Select); coding-DNA position 705, one base deleted (C; older notation c.705delC).
Protein change: p.Met236fs; shifts the reading frame from methionine 236.
Molecular consequence: frameshift variant.
Genome position (GRCh38, 1-based): chr9:95,135,484, G deleted on the plus strand (C on the coding strand, the reverse complement: FANCC is on the minus strand); the first of 4 consecutive G bases (chr9:95,135,484-95,135,487); deleting any one gives the same sequence. VCF-style (leftmost placement, unchanged base first): chr9-95135483-TG-T. GRCh37 (hg19) VCF-style: chr9-97897765-TG-T.
Other names: c.705del, p.Met236fs (NM_001243743.2, NM_001243744.2); short protein forms M236fs.
Identifiers: ClinVar variation 1359432 (VCV001359432.8), dbSNP rs2135168243, ClinGen allele CA1126970781.

ClinVar aggregate classification (germline): Pathogenic/Likely pathogenic. Review status: criteria provided, multiple submitters, no conflicts (2 of 4 stars). 3 submissions from 3 submitters: Pathogenic (2); Likely pathogenic (1). Last evaluated 2026-01-28.

Conditions:
Fanconi anemia (FA). Also called: Fanconi's anemia. Identifiers: Orphanet 84, MedGen C0015625, MeSH D005199, MONDO:0019391.
Fanconi anemia complementation group C (FANCC). Also called: Fanconi anemia, group C; FANCONI PANCYTOPENIA, TYPE 3; FACC; FANCC-Related Fanconi Anemia. Identifiers: Orphanet 84, MedGen C3468041, MONDO:0009213, OMIM 227645.

Submissions (3):

Labcorp Genetics (formerly Invitae), Labcorp
Classification: Pathogenic for Fanconi anemia. Last evaluated: 2026-01-28. Review status: criteria provided, single submitter. Criteria: Invitae Variant Classification Sherloc (09022015). Collection method: clinical testing. Allele origin: germline.
Comment: This sequence change creates a premature translational stop signal (p.Met236Cysfs*4) in the FANCC gene. It is expected to result in an absent or disrupted protein product. Loss-of-function variants in FANCC are known to be pathogenic (PMID: 17924555). This variant is not present in population databases (gnomAD no frequency). This variant has not been reported in the literature in individuals affected with FANCC-related conditions. ClinVar contains an entry for this variant (Variation ID: 1359432). For these reasons, this variant has been classified as Pathogenic.

Myriad Genetics, Inc.
Classification: Pathogenic for Fanconi anemia complementation group C. Last evaluated: 2024-05-13. Review status: criteria provided, single submitter. Criteria: Myriad Autosomal Dominant, Autosomal Recessive and X-Linked Classification Criteria (2023). Collection method: clinical testing. Allele origin: unknown.
Comment: NM_000136.2(FANCC):c.705delC(M236Cfs*4) is expected to be pathogenic in the context of Fanconi anemia, FANCC-related. This variant is predicted to lead to an abnormal or absent protein product due to the creation of a premature termination codon in FANCC, a gene where loss-of-function variants are known to be pathogenic. Please note: this variant was assessed in the context of healthy population screening.

Baylor Genetics
Classification: Likely pathogenic for Fanconi anemia complementation group C. Last evaluated: 2023-02-08. Review status: criteria provided, single submitter. Criteria: ACMG Guidelines, 2015. Collection method: clinical testing. Allele origin: unknown.

Literature cited by the submitters: PubMed 17924555 (cited by Labcorp Genetics (formerly Invitae), Labcorp).